The following is an entry in ClinVar:

NM_015909.4(NBAS):c.4924T>G (p.Phe1642Val)

Gene: NBAS (NBAS subunit of NRZ tethering complex; minus strand). Cytogenetic location: 2p24.3.
Variant type: single nucleotide variant.
Coding change: c.4924T>G on transcript NM_015909.4 (MANE Select); coding-DNA position 4924, T replaced by G.
Protein change: p.Phe1642Val; replaces phenylalanine 1642 with valine.
Molecular consequence: missense variant. On other transcripts: non-coding transcript variant (1).
Genome position (GRCh38, 1-based): chr2:15,292,640, A>C on the plus strand (T>G on the coding strand, the complement: NBAS is on the minus strand). VCF-style: chr2-15292640-A-C. GRCh37 (hg19) VCF-style: chr2-15432764-A-C.
Other names: short protein forms F1642V.
Identifiers: ClinVar variation 1359764 (VCV001359764.5), dbSNP rs1329637983, ClinGen allele CA345889518.

ClinVar aggregate classification (germline): Uncertain significance (1 of 4 stars; one submission).

Submission:

Labcorp Genetics (formerly Invitae), Labcorp
Classification: Uncertain significance. Last evaluated: 2022-08-15. Review status: criteria provided, single submitter. Criteria: Invitae Variant Classification Sherloc (09022015). Collection method: clinical testing. Allele origin: germline.
Comment: This sequence change replaces phenylalanine, which is neutral and non-polar, with valine, which is neutral and non-polar, at codon 1642 of the NBAS protein (p.Phe1642Val). This variant is not present in population databases (gnomAD no frequency). This variant has not been reported in the literature in individuals affected with NBAS-related conditions. ClinVar contains an entry for this variant (Variation ID: 1359764). Algorithms developed to predict the effect of missense changes on protein structure and function (SIFT, PolyPhen-2, Align-GVGD) all suggest that this variant is likely to be tolerated. In summary, the available evidence is currently insufficient to determine the role of this variant in disease. Therefore, it has been classified as a Variant of Uncertain Significance.